The following is an entry in ClinVar:

ClinVar aggregate classification (germline): Uncertain significance (1 of 4 stars; one submission).

Submission:

Ambry Genetics
Classification: Uncertain significance. Last evaluated: 2024-08-20. Review status: criteria provided, single submitter. Criteria: Ambry Variant Classification Scheme 2023. Collection method: clinical testing. Allele origin: germline.
Comment: The p.M15R variant (also known as c.44T>G), located in coding exon 2 of the BUB1 gene, results from a T to G substitution at nucleotide position 44. The methionine at codon 15 is replaced by arginine, an amino acid with similar properties. This amino acid position is conserved. In addition, the in silico prediction for this alteration is inconclusive. Based on the available evidence, the clinical significance of this variant remains unclear.

NM_004336.5(BUB1):c.44T>G (p.Met15Arg)

Gene: BUB1 (BUB1 mitotic checkpoint serine/threonine kinase; minus strand). Cytogenetic location: 2q13.
Variant type: single nucleotide variant.
Coding change: c.44T>G on transcript NM_004336.5 (MANE Select); coding-DNA position 44, T replaced by G.
Protein change: p.Met15Arg; replaces methionine 15 with arginine.
Molecular consequence: missense variant. On other transcripts: intron variant (1).
Genome position (GRCh38, 1-based): chr2:110,674,348, A>C on the plus strand (T>G on the coding strand, the complement: BUB1 is on the minus strand). VCF-style: chr2-110674348-A-C. GRCh37 (hg19) VCF-style: chr2-111431925-A-C.
Other names: c.44T>G, p.Met15Arg (NM_001278617.2); c.27-124T>G (NM_001278616.2); short protein forms M15R.
Identifiers: ClinVar variation 3483049 (VCV003483049.1).
Genomic context (GRCh38, chr2:110,674,348, plus strand): 5'-AAATAACTAAATGCTGACCTTTCCCATTCACCAAGAGGGTCATTGCCCTTGTAGCTCTGC[A>C]TGTGGGCTTCAAGCATCCTAGAAGAGAGAAAGGTATGCACATGGGATATTAGGGATAATT-3'
Protein context (NP_004327.1, residues 5-25): ENVLQMLEAH[Met15Arg]QSYKGNDPLG